The following is an entry in ClinVar:

NM_080680.3(COL11A2):c.2044G>A (p.Gly682Ser)

Gene: COL11A2 (collagen type XI alpha 2 chain; minus strand). Cytogenetic location: 6p21.32.
Variant type: single nucleotide variant.
Coding change: c.2044G>A on transcript NM_080680.3 (MANE Select); coding-DNA position 2044, G replaced by A.
Protein change: p.Gly682Ser; replaces glycine 682 with serine.
Molecular consequence: missense variant.
Genome position (GRCh38, 1-based): chr6:33,177,018, C>T on the plus strand (G>A on the coding strand, the complement: COL11A2 is on the minus strand). VCF-style: chr6-33177018-C-T. GRCh37 (hg19) VCF-style: chr6-33144795-C-T.
Other names: c.2044G>A (NM_080680.2); c.1723G>A, p.Gly575Ser (NM_080679.3); c.1786G>A, p.Gly596Ser (NM_080681.3); short protein forms G575S, G596S, G682S.
Identifiers: ClinVar variation 1420481 (VCV001420481.6), dbSNP rs781407891, ClinGen allele CA3751069.

ClinVar aggregate classification (germline): Uncertain significance. Review status: criteria provided, multiple submitters, no conflicts (2 of 4 stars). 2 submissions from 2 submitters: Uncertain significance (2). Last evaluated 2025-08-05.

Conditions:
Inborn genetic diseases. Identifiers: MedGen C0950123, MeSH D030342.

Allele frequency attached by ClinVar (database versions not stated): TOPMed below 0.00001; ExAC 0.00001; gnomAD exomes 0.00001; gnomAD 0.00002.
gnomAD v4.1: 16 of 1,611,834 alleles (0.00099%); highest among the groups gnomAD compares: Admixed American, 0.0033%; no homozygotes.

Submissions (2):

Ambry Genetics
Classification: Uncertain significance for Inborn genetic diseases. Last evaluated: 2025-08-05. Review status: criteria provided, single submitter. Criteria: Ambry Variant Classification Scheme 2023. Collection method: clinical testing. Allele origin: germline.

Labcorp Genetics (formerly Invitae), Labcorp
Classification: Uncertain significance. Last evaluated: 2022-01-02. Review status: criteria provided, single submitter. Criteria: Invitae Variant Classification Sherloc (09022015). Collection method: clinical testing. Allele origin: germline.
Comment: This sequence change replaces glycine, which is neutral and non-polar, with serine, which is neutral and polar, at codon 682 of the COL11A2 protein (p.Gly682Ser). This variant is present in population databases (rs781407891, gnomAD 0.003%). This variant has not been reported in the literature in individuals affected with COL11A2-related conditions. Advanced modeling of protein sequence and biophysical properties (such as structural, functional, and spatial information, amino acid conservation, physicochemical variation, residue mobility, and thermodynamic stability) performed at Invitae indicates that this missense variant is expected to disrupt COL11A2 protein function. In summary, the available evidence is currently insufficient to determine the role of this variant in disease. Therefore, it has been classified as a Variant of Uncertain Significance.